The following is an entry in ClinVar:

NM_006231.4(POLE):c.4051G>T (p.Val1351Phe)

Gene: POLE (DNA polymerase epsilon, catalytic subunit; minus strand). Cytogenetic location: 12q24.33.
Variant type: single nucleotide variant.
Coding change: c.4051G>T on transcript NM_006231.4 (MANE Select); coding-DNA position 4051, G replaced by T.
Protein change: p.Val1351Phe; replaces valine 1351 with phenylalanine.
Molecular consequence: missense variant.
Genome position (GRCh38, 1-based): chr12:132,649,027, C>A on the plus strand (G>T on the coding strand, the complement: POLE is on the minus strand). VCF-style: chr12-132649027-C-A. GRCh37 (hg19) VCF-style: chr12-133225613-C-A.
Other names: short protein forms V1351F.
Identifiers: ClinVar variation 4779393 (VCV004779393.1).
Genomic context (GRCh38, chr12:132,649,027, plus strand): 5'-GCTGGTTCACGTAGAACACACGGGGGATGCTCAGCCTGATGCAGTGCAAGTCACTGCCAA[C>A]GAGCGCCCACAGCCTGAACAGGCCGGCCTGGCTGGTCTCGCTGATCTGAAAGGCCACACG-3'
Protein context (NP_006222.2, residues 1341-1361): QAGLFRLWAL[Val1351Phe]GSDLHCIRLS

ClinVar aggregate classification (germline): Uncertain significance (1 of 4 stars; one submission).

Submission:

Labcorp Genetics (formerly Invitae), Labcorp
Classification: Uncertain significance. Last evaluated: 2026-01-13. Review status: criteria provided, single submitter. Criteria: Invitae Variant Classification Sherloc (09022015). Collection method: clinical testing. Allele origin: germline.
Comment: This sequence change replaces valine, which is neutral and non-polar, with phenylalanine, which is neutral and non-polar, at codon 1351 of the POLE protein (p.Val1351Phe). This variant is not present in population databases (gnomAD no frequency). This variant has not been reported in the literature in individuals affected with POLE-related conditions. Invitae Evidence Modeling of protein sequence and biophysical properties (such as structural, functional, and spatial information, amino acid conservation, physicochemical variation, residue mobility, and thermodynamic stability) indicates that this missense variant is not expected to disrupt POLE protein function with a negative predictive value of 80%. In summary, the available evidence is currently insufficient to determine the role of this variant in disease. Therefore, it has been classified as a Variant of Uncertain Significance.